The following is an entry in ClinVar:

NM_152618.3(BBS12):c.1218G>T (p.Gln406His)

Gene: BBS12 (Bardet-Biedl syndrome 12; plus strand). Cytogenetic location: 4q27.
Variant type: single nucleotide variant.
Coding change: c.1218G>T on transcript NM_152618.3 (MANE Select); coding-DNA position 1218, G replaced by T.
Protein change: p.Gln406His; replaces glutamine 406 with histidine.
Molecular consequence: missense variant.
Genome position (GRCh38, 1-based): chr4:122,743,110, G>T. VCF-style: chr4-122743110-G-T. GRCh37 (hg19) VCF-style: chr4-123664265-G-T.
Other names: c.1218G>T, p.Gln406His (NM_001178007.2); short protein forms Q406H.
Identifiers: ClinVar variation 4989516 (VCV004989516.1).
Genomic context (GRCh38, chr4:122,743,110, plus strand): 5'-GCTTCAAGAAGACAGCTCAGAAGAACTGTGGGCAAATCACGTGTTACAGGTGTTAATCCA[G>T]TTCAAGGTGAACCTTGTCCTGGTACAAGGAAATGTGTCCGAACGCTTAATTGAAAAATGT-3'
Protein context (NP_689831.2, residues 396-416): WANHVLQVLI[Gln406His]FKVNLVLVQG

ClinVar aggregate classification (germline): Uncertain significance (1 of 4 stars; one submission).

Conditions:
BBS12-related disorder. Also called: BBS12-related condition.

gnomAD v4.1: 2 of 1,614,252 alleles (0.00012%); highest among the groups gnomAD compares: Admixed American, 0.0033%; no homozygotes.

Submission:

PreventionGenetics, part of Exact Sciences
Classification: Uncertain significance for BBS12-related condition. Last evaluated: 2026-02-20. Review status: criteria provided, single submitter. Criteria: ACMG Guidelines, 2015. Collection method: clinical testing. Allele origin: germline.
Comment: The BBS12 c.1218G>T variant is predicted to result in the amino acid substitution p.Gln406His. To our knowledge, this variant has not been reported in the literature. This variant is reported in 0.0058% of alleles in individuals of Latino descent in gnomAD. At this time, the clinical significance of this variant is uncertain due to the absence of conclusive functional and genetic evidence.